The following is an entry in ClinVar:

NM_001360.3(DHCR7):c.76C>T (p.Gln26Ter)

Gene: DHCR7 (7-dehydrocholesterol reductase; minus strand). Cytogenetic location: 11q13.4.
Variant type: single nucleotide variant.
Coding change: c.76C>T on transcript NM_001360.3 (MANE Select); coding-DNA position 76, C replaced by T.
Protein change: p.Gln26Ter; replaces glutamine 26 with a stop codon.
Molecular consequence: nonsense.
Genome position (GRCh38, 1-based): chr11:71,444,877, G>A on the plus strand (C>T on the coding strand, the complement: DHCR7 is on the minus strand). VCF-style: chr11-71444877-G-A. GRCh37 (hg19) VCF-style: chr11-71155923-G-A.
Other names: c.76C>T, p.Gln26Ter (NM_001425114.1, NM_001425116.1, NM_001425118.1 and 11 more transcripts); c.-170C>T (NM_001425117.1); short protein forms Q26*.
Identifiers: ClinVar variation 2872676 (VCV002872676.6), dbSNP rs1949389789, ClinGen allele CA381696893.

ClinVar aggregate classification (germline): Pathogenic/Likely pathogenic. Review status: criteria provided, multiple submitters, no conflicts (2 of 4 stars). 3 submissions from 3 submitters: Pathogenic (1); Likely pathogenic (2). Last evaluated 2025-05-12.

Conditions:
Smith-Lemli-Opitz syndrome (SLOS). Also called: 7-Dehydrocholesterol reductase deficiency; LETHAL ACRODYSGENITAL SYNDROME; POLYDACTYLY, SEX REVERSAL, RENAL HYPOPLASIA, AND UNILOBAR LUNG; RSH SYNDROME; RUTLEDGE LETHAL MULTIPLE CONGENITAL ANOMALY SYNDROME. Identifiers: Orphanet 818, MedGen C0175694, MONDO:0010035, OMIM 270400.

Allele frequency attached by ClinVar (database versions not stated): gnomAD 0.00001.
gnomAD v4.1: 1 of 1,614,100 alleles (0.000062%); highest among the groups gnomAD compares: African/African-American, 0.0013%; no homozygotes.

Submissions (3):

Natera, Inc.
Classification: Likely pathogenic for Smith-Lemli-Opitz syndrome. Last evaluated: 2025-05-12. Review status: criteria provided, single submitter. Criteria: Natera Variant Classification Schema (03/2026). Collection method: clinical testing. Allele origin: germline.
Comment: The c.76C>T variant in DHCR7 is a nonsense variant predicted to introduce a stop codon at amino acid 26. This variant is expected to result in nonsense mediated decay, truncation, or a dysfunctional protein product. This variant is rare in the general population with a frequency below the threshold expected for the associated phenotype(s). Given the available evidence, this variant is classified as Likely Pathogenic.

Labcorp Genetics (formerly Invitae), Labcorp
Classification: Pathogenic for Smith-Lemli-Opitz syndrome. Last evaluated: 2024-04-29. Review status: criteria provided, single submitter. Criteria: Invitae Variant Classification Sherloc (09022015). Collection method: clinical testing. Allele origin: germline.
Comment: This sequence change creates a premature translational stop signal (p.Gln26*) in the DHCR7 gene. It is expected to result in an absent or disrupted protein product. Loss-of-function variants in DHCR7 are known to be pathogenic (PMID: 9634533, 10677299). This variant is not present in population databases (gnomAD no frequency). This variant has not been reported in the literature in individuals affected with DHCR7-related conditions. For these reasons, this variant has been classified as Pathogenic.

Fulgent Genetics
Classification: Likely pathogenic for Smith-Lemli-Opitz syndrome. Last evaluated: 2024-03-07. Review status: criteria provided, single submitter. Criteria: ACMG Guidelines, 2015. Collection method: clinical testing. Allele origin: germline.

Literature cited by the submitters: PubMed 9634533 (cited by Labcorp Genetics (formerly Invitae), Labcorp); PubMed 10677299 (cited by Labcorp Genetics (formerly Invitae), Labcorp).